The following is an entry in ClinVar:

NM_138395.4(MARS2):c.902G>A (p.Trp301Ter)

Gene: MARS2 (methionyl-tRNA synthetase 2, mitochondrial; plus strand). Cytogenetic location: 2q33.1.
Variant type: single nucleotide variant.
Coding change: c.902G>A on transcript NM_138395.4 (MANE Select); coding-DNA position 902, G replaced by A.
Protein change: p.Trp301Ter; replaces tryptophan 301 with a stop codon.
Molecular consequence: nonsense.
Genome position (GRCh38, 1-based): chr2:197,706,307, G>A. VCF-style: chr2-197706307-G-A. GRCh37 (hg19) VCF-style: chr2-198571031-G-A.
Other names: c.902G>A (NM_138395.3); short protein forms W301*.
Identifiers: ClinVar variation 3678769 (VCV003678769.3).
Genomic context (GRCh38, chr2:197,706,307, plus strand): 5'-ATGCCCTGGTCAACTACCTCACTGTAATTGGCTACCCAAATGCTGAGTTCAAATCTTGGT[G>A]GCCGGCCACCTCTCATATCATAGGTAAGGACATTCTCAAATTCCATGCCATCTATTGGCC-3'

ClinVar aggregate classification (germline): Conflicting classifications of pathogenicity. Review status: criteria provided, conflicting classifications (1 of 4 stars). 2 submissions from 2 submitters: Likely pathogenic (1); Uncertain significance (1). Last evaluated 2025-12-09.

Conditions:
MARS2-related disorder. Also called: MARS2-related condition.

Submissions (2):

PreventionGenetics, part of Exact Sciences
Classification: Likely pathogenic for MARS2-related condition. Last evaluated: 2025-12-09. Review status: criteria provided, single submitter. Criteria: ACMG Guidelines, 2015. Collection method: clinical testing. Allele origin: germline.
Comment: The MARS2 c.902G>A variant is predicted to result in premature protein termination (p.Trp301*). To our knowledge, this variant has not been reported in the literature. This variant is reported in 0.0062% of alleles in individuals of African descent in gnomAD. Nonsense variants in MARS2 are expected to be pathogenic. This variant is interpreted as likely pathogenic.

Labcorp Genetics (formerly Invitae), Labcorp
Classification: Uncertain significance. Last evaluated: 2024-08-29. Review status: criteria provided, single submitter. Criteria: Invitae Variant Classification Sherloc (09022015). Collection method: clinical testing. Allele origin: germline.
Comment: This sequence change creates a premature translational stop signal (p.Trp301*) in the MARS2 gene. While this is not anticipated to result in nonsense mediated decay, it is expected to disrupt the last 293 amino acid(s) of the MARS2 protein. This variant is present in population databases (no rsID available, gnomAD 0.007%). This variant has not been reported in the literature in individuals affected with MARS2-related conditions. Experimental studies and prediction algorithms are not available or were not evaluated, and the functional significance of this variant is currently unknown. In summary, the available evidence is currently insufficient to determine the role of this variant in disease. Therefore, it has been classified as a Variant of Uncertain Significance.